The following is an entry in ClinVar:

ClinVar aggregate classification (germline): Pathogenic/Likely pathogenic. Review status: criteria provided, multiple submitters, no conflicts (2 of 4 stars). 2 submissions from 2 submitters: Pathogenic (1); Likely pathogenic (1). Last evaluated 2023-07-27.

Conditions:
ZFYVE26-related disorder. Also called: ZFYVE26-related condition.
Spastic paraplegia. Identifiers: MedGen C0037772, HP:0001258.

Allele frequency attached by ClinVar (database versions not stated): gnomAD exomes 0.00001.

Submissions (2):

Blueprint Genetics
Classification: Likely pathogenic for ZFYVE26-related disorders. Last evaluated: 2023-07-27. Review status: criteria provided, single submitter. Criteria: ACMG Guidelines, 2015. Collection method: clinical testing. Allele origin: germline. Affected: yes. Observed: 1 variant allele.

Labcorp Genetics (formerly Invitae), Labcorp
Classification: Pathogenic for Spastic paraplegia. Last evaluated: 2020-07-02. Review status: criteria provided, single submitter. Criteria: Invitae Variant Classification Sherloc (09022015). Collection method: clinical testing. Allele origin: germline.
Comment: For these reasons, this variant has been classified as Pathogenic. Loss-of-function variants in ZFYVE26 are known to be pathogenic (PMID: 18394578, 19805727). This variant has not been reported in the literature in individuals with ZFYVE26-related conditions. This variant is not present in population databases (ExAC no frequency). This sequence change creates a premature translational stop signal (p.Leu1704Argfs*40) in the ZFYVE26 gene. It is expected to result in an absent or disrupted protein product.

Literature cited by the submitters: PubMed 18394578 (cited by Labcorp Genetics (formerly Invitae), Labcorp); PubMed 19805727 (cited by Labcorp Genetics (formerly Invitae), Labcorp).

NM_015346.4(ZFYVE26):c.5111del (p.Leu1704fs)

Gene: ZFYVE26 (zinc finger FYVE-type containing 26; minus strand). Cytogenetic location: 14q24.1.
Variant type: Deletion.
Coding change: c.5111del on transcript NM_015346.4 (MANE Select); coding-DNA position 5111, one base deleted (T; older notation c.5111delT).
Protein change: p.Leu1704fs; shifts the reading frame from leucine 1704.
Molecular consequence: frameshift variant.
Genome position (GRCh38, 1-based): chr14:67,775,970, A deleted on the plus strand (T on the coding strand, the reverse complement: ZFYVE26 is on the minus strand). VCF-style (leftmost placement, unchanged base first): chr14-67775969-CA-C. GRCh37 (hg19) VCF-style: chr14-68242686-CA-C.
Other names: short protein forms L1704fs.
Identifiers: ClinVar variation 1075472 (VCV001075472.8), dbSNP rs2140212384, ClinGen allele CA2499222703.